The following is an entry in ClinVar:

ClinVar aggregate classification (germline): Uncertain significance (1 of 4 stars; one submission).

Submission:

GeneDx
Classification: Uncertain significance. Last evaluated: 2024-10-10. Review status: criteria provided, single submitter. Criteria: GeneDx Variant Classification Process June 2021. Collection method: clinical testing. Allele origin: germline. Affected: yes.
Comment: Not observed at significant frequency in large population cohorts (gnomAD); In silico analysis supports that this missense variant has a deleterious effect on protein structure/function; Has not been previously published as pathogenic or benign to our knowledge

NM_001142966.3(GREB1L):c.1730A>G (p.Gln577Arg)

Genes: GREB1L-AS1 (GREB1L antisense RNA 1; minus strand), GREB1L (GREB1 like retinoic acid receptor coactivator; plus strand). Cytogenetic location: 18q11.1.
Variant type: single nucleotide variant.
Coding change: c.1730A>G on transcript NM_001142966.3 (MANE Select); coding-DNA position 1730, A replaced by G.
Protein change: p.Gln577Arg; replaces glutamine 577 with arginine.
Molecular consequence: missense variant. On other transcripts: non-coding transcript variant (1).
Genome position (GRCh38, 1-based): chr18:21,451,032, A>G. VCF-style: chr18-21451032-A-G. GRCh37 (hg19) VCF-style: chr18-19030993-A-G.
Other names: c.1859A>G, p.Gln620Arg (NM_001410867.1); c.1403A>G, p.Gln468Arg (NM_001410868.1); short protein forms Q468R, Q577R, Q620R.
Identifiers: ClinVar variation 3777636 (VCV003777636.1).
Genomic context (GRCh38, chr18:21,451,032, plus strand): 5'-AGCAACATTTGTTCTGTTGATGAGTCTTCTCTTCTCTCCTCCATCCTGCAGGTCAGCACC[A>G]GTCCCGAGCTCTGGCAGAGAGCATGCTCACCACAAGTGAGTTTTTGAAAGAAATTAGTTA-3'
Protein context (NP_001136438.1, residues 567-587): EFCVVVLGQH[Gln577Arg]SRALAESMLT